The following is an entry in ClinVar:

NM_000256.3(MYBPC3):c.2149-8C>T

Gene: MYBPC3 (myosin binding protein C3; minus strand). Cytogenetic location: 11p11.2.
Variant type: single nucleotide variant.
Coding change: c.2149-8C>T on transcript NM_000256.3 (MANE Select); 8 bases into the intron before coding-DNA position 2149, C replaced by T.
Molecular consequence: intron variant.
Genome position (GRCh38, 1-based): chr11:47,338,687, G>A on the plus strand (C>T on the coding strand, the complement: MYBPC3 is on the minus strand). VCF-style: chr11-47338687-G-A. GRCh37 (hg19) VCF-style: chr11-47360238-G-A.
Identifiers: ClinVar variation 704881 (VCV000704881.14), dbSNP rs397515950, ClinGen allele CA078552.

ClinVar aggregate classification (germline): Likely benign. Review status: criteria provided, multiple submitters, no conflicts (2 of 4 stars). 4 submissions from 4 submitters: Likely benign (4). Last evaluated 2026-06-19.

Conditions:
MYBPC3-related disorder. Also called: MYBPC3-related condition; MYBPC3-related disease; MYBPC3-related disorders.
Hypertrophic cardiomyopathy. Also called: HYPERTROPHIC MYOCARDIOPATHY. Identifiers: Orphanet 217569, MedGen C0007194, MeSH D002312, MONDO:0005045, HP:0001639.

gnomAD v4.1: 9 of 1,605,686 alleles (0.00056%); highest among the groups gnomAD compares: Middle Eastern, 0.033%; no homozygotes.

Submissions (4):

PreventionGenetics, part of Exact Sciences
Classification: Likely benign for MYBPC3-related condition. Last evaluated: 2026-06-19. Review status: criteria provided, single submitter. Criteria: ACMG Guidelines, 2015. Collection method: clinical testing. Allele origin: germline.
Comment: This variant is classified as likely benign based on ACMG/AMP sequence variant interpretation guidelines (Richards et al. 2015 PMID: 25741868, with internal and published modifications).

Labcorp Genetics (formerly Invitae), Labcorp
Classification: Likely benign for Hypertrophic cardiomyopathy. Last evaluated: 2025-10-26. Review status: criteria provided, single submitter. Criteria: Invitae Variant Classification Sherloc (09022015). Collection method: clinical testing. Allele origin: germline.

Blueprint Genetics
Classification: Likely benign. Last evaluated: 2024-10-03. Review status: criteria provided, single submitter. Criteria: ACMG Guidelines, 2015. Collection method: clinical testing. Allele origin: germline.

GeneDx
Classification: Likely benign. Last evaluated: 2020-01-16. Review status: criteria provided, single submitter. Criteria: GeneDx Variant Classification Process June 2021. Collection method: clinical testing. Allele origin: germline. Affected: yes.
Comment: See Variant Classification Assertion Criteria.